The following is an entry in ClinVar:

NM_000051.4(ATM):c.3400A>G (p.Met1134Val)

Gene: ATM (ATM serine/threonine kinase; plus strand). Cytogenetic location: 11q22.3.
Variant type: single nucleotide variant.
Coding change: c.3400A>G on transcript NM_000051.4 (MANE Select); coding-DNA position 3400, A replaced by G.
Protein change: p.Met1134Val; replaces methionine 1134 with valine.
Molecular consequence: missense variant.
Genome position (GRCh38, 1-based): chr11:108,279,606, A>G. VCF-style: chr11-108279606-A-G. GRCh37 (hg19) VCF-style: chr11-108150333-A-G.
Other names: c.3400A>G, p.Met1134Val (NM_001351834.2); short protein forms M1134V.
Identifiers: ClinVar variation 661457 (VCV000661457.14), dbSNP rs1591632583, ClinGen allele CA382517877.

ClinVar aggregate classification (germline): Conflicting classifications of pathogenicity. Review status: criteria provided, conflicting classifications (1 of 4 stars). 4 submissions from 4 submitters: Uncertain significance (3); Likely benign (1). Last evaluated 2026-01-09.

Conditions:
Familial cancer of breast. Also called: Hereditary breast cancer; BREAST CANCER, FAMILIAL; hereditary breast carcinoma. Identifiers: Orphanet 227535, MedGen C0346153, MONDO:0016419, OMIM 114480. Disease mechanism: loss of function.
Hereditary cancer-predisposing syndrome. Also called: Neoplastic Syndromes, Hereditary; Hereditary neoplastic syndrome; Tumor predisposition; Hereditary Cancer Syndrome. Identifiers: Orphanet 140162, MedGen C0027672, MeSH D009386, MONDO:0015356.
Ataxia-telangiectasia syndrome (AT). Also called: Ataxia-telangiectasia, complementation group D; AT, COMPLEMENTATION GROUP C; Ataxia telangiectasia (A-T); Cerebello-oculocutaneous telangiectasia; Immunodeficiency with ataxia telangiectasia; ATAXIA-TELANGIECTASIA, COMPLEMENTATION GROUP A. Identifiers: Orphanet 100, MedGen C0004135, MONDO:0008840, OMIM 208900.

Submissions (4):

Labcorp Genetics (formerly Invitae), Labcorp
Classification: Uncertain significance for Ataxia-telangiectasia syndrome. Last evaluated: 2026-01-09. Review status: criteria provided, single submitter. Criteria: Invitae Variant Classification Sherloc (09022015). Collection method: clinical testing. Allele origin: germline.
Comment: This sequence change replaces methionine, which is neutral and non-polar, with valine, which is neutral and non-polar, at codon 1134 of the ATM protein (p.Met1134Val). This variant is not present in population databases (gnomAD no frequency). This variant has not been reported in the literature in individuals affected with ATM-related conditions. ClinVar contains an entry for this variant (Variation ID: 661457). An algorithm developed to predict the effect of missense changes on protein structure and function outputs the following: PolyPhen-2: "Benign". The valine amino acid residue is found in multiple mammalian species, which suggests that this missense change does not adversely affect protein function. In summary, the available evidence is currently insufficient to determine the role of this variant in disease. Therefore, it has been classified as a Variant of Uncertain Significance.

KCCC/NGS Laboratory, Kuwait Cancer Control Center
Classification: Uncertain significance for Familial cancer of breast. Last evaluated: 2025-04-28. Review status: criteria provided, single submitter. Criteria: ACMG Guidelines, 2015. Collection method: clinical testing. Allele origin: germline. Inheritance: Autosomal dominant inheritance. Affected: yes. Observed: 1 heterozygote.
Comment: This sequence change replaces methionine, which is neutral and non-polar, with valine, which is neutral and non-polar, at codon 1134 of the ATM protein (p.Met1134Val). This variant is not present in population databases (gnomAD no frequency). This variant has not been reported in the literature in individuals affected with ATM-related conditions. ClinVar contains an entry for this variant (Variation ID: 661457).Splice site prediction tools suggest that this variant may not impact RNA splicing. . The valine amino acid residue is found in multiple mammalian species, which suggests that this missense change does not adversely affect protein function. In summary, the available evidence is currently insufficient to determine the role of this variant in disease. Therefore, it has been classified as a Variant of Uncertain Significance. Heterozygous pathogenic/likely pathogenic mutations in the ATM gene are associated with susceptibility to breast cancer (OMIM 114480 ).

Color Diagnostics, LLC DBA Color Health
Classification: Uncertain significance for Hereditary cancer-predisposing syndrome. Last evaluated: 2019-12-10. Review status: criteria provided, single submitter. Criteria: ACMG Guidelines, 2015. Collection method: clinical testing. Allele origin: germline.
Comment: This missense variant replaces methionine with valine at codon 1134 of the ATM protein. Computational prediction suggests that this variant may not impact protein structure and function (internally defined REVEL score threshold <= 0.5, PMID: 27666373). Splice site prediction tools suggest that this variant may not impact RNA splicing. To our knowledge, functional studies have not been performed for this variant. This variant has not been reported in individuals affected with hereditary cancer in the literature. This variant has not been identified in the general population by the Genome Aggregation Database (gnomAD). The available evidence is insufficient to determine the role of this variant in disease conclusively. Therefore, this variant is classified as a Variant of Uncertain Significance.

Ambry Genetics
Classification: Likely benign for Hereditary cancer-predisposing syndrome. Last evaluated: 2019-11-21. Review status: criteria provided, single submitter. Criteria: Ambry Variant Classification Scheme 2023. Collection method: clinical testing. Allele origin: germline.